The following is an entry in ClinVar:

ClinVar aggregate classification (germline): Uncertain significance (1 of 4 stars; one submission).

gnomAD v4.1: 2 of 1,209,931 alleles (0.00017%); highest among the groups gnomAD compares: African/African-American, 0.0035%; no homozygotes.

Submission:

Labcorp Genetics (formerly Invitae), Labcorp
Classification: Uncertain significance. Last evaluated: 2025-01-28. Review status: criteria provided, single submitter. Criteria: Invitae Variant Classification Sherloc (09022015). Collection method: clinical testing. Allele origin: germline.
Comment: This sequence change replaces tyrosine, which is neutral and polar, with phenylalanine, which is neutral and non-polar, at codon 645 of the FRMD7 protein (p.Tyr645Phe). This variant is present in population databases (no rsID available, gnomAD 0.008%). This variant has not been reported in the literature in individuals affected with FRMD7-related conditions. An algorithm developed to predict the effect of missense changes on protein structure and function (PolyPhen-2) suggests that this variant is likely to be tolerated. In summary, the available evidence is currently insufficient to determine the role of this variant in disease. Therefore, it has been classified as a Variant of Uncertain Significance.

NM_194277.3(FRMD7):c.1934A>T (p.Tyr645Phe)

Gene: FRMD7 (FERM domain containing 7; minus strand). Cytogenetic location: Xq26.2.
Variant type: single nucleotide variant.
Coding change: c.1934A>T on transcript NM_194277.3 (MANE Select); coding-DNA position 1934, A replaced by T.
Protein change: p.Tyr645Phe; replaces tyrosine 645 with phenylalanine.
Molecular consequence: missense variant.
Genome position (GRCh38, 1-based): chrX:132,078,083, T>A on the plus strand (A>T on the coding strand, the complement: FRMD7 is on the minus strand). VCF-style: chrX-132078083-T-A. GRCh37 (hg19) VCF-style: chrX-131212111-T-A.
Other names: c.1889A>T, p.Tyr630Phe (NM_001306193.2); short protein forms Y630F, Y645F.
Identifiers: ClinVar variation 3674233 (VCV003674233.2).